The following is an entry in ClinVar:

NM_031418.4(ANO3):c.2118C>A (p.Asn706Lys)

Gene: ANO3 (anoctamin 3; plus strand). Cytogenetic location: 11p14.2.
Variant type: single nucleotide variant.
Coding change: c.2118C>A on transcript NM_031418.4 (MANE Select); coding-DNA position 2118, C replaced by A.
Protein change: p.Asn706Lys; replaces asparagine 706 with lysine.
Molecular consequence: missense variant.
Genome position (GRCh38, 1-based): chr11:26,639,218, C>A. VCF-style: chr11-26639218-C-A. GRCh37 (hg19) VCF-style: chr11-26660765-C-A.
Other names: c.2301C>A, p.Asn767Lys (NM_001313726.2); c.1680C>A, p.Asn560Lys (NM_001313727.2); short protein forms N560K, N706K, N767K.
Identifiers: ClinVar variation 2430670 (VCV002430670.1), dbSNP rs2538999479, ClinGen allele CA379936118.

ClinVar aggregate classification (germline): Uncertain significance (1 of 4 stars; one submission).

Submission:

GeneDx
Classification: Uncertain significance. Last evaluated: 2022-08-24. Review status: criteria provided, single submitter. Criteria: GeneDx Variant Classification Process June 2021. Collection method: clinical testing. Allele origin: germline. Affected: yes.
Comment: Not observed at significant frequency in large population cohorts (gnomAD); In silico analysis supports that this missense variant has a deleterious effect on protein structure/function; Has not been previously published as pathogenic or benign to our knowledge